The following is an entry in ClinVar:

NM_001377.3(DYNC2H1):c.5674+4T>G

Gene: DYNC2H1 (dynein cytoplasmic 2 heavy chain 1; plus strand). Cytogenetic location: 11q22.3.
Variant type: single nucleotide variant.
Coding change: c.5674+4T>G on transcript NM_001377.3 (MANE Select); 4 bases into the intron after coding-DNA position 5674, T replaced by G.
Molecular consequence: intron variant.
Genome position (GRCh38, 1-based): chr11:103,174,174, T>G. VCF-style: chr11-103174174-T-G. GRCh37 (hg19) VCF-style: chr11-103044903-T-G.
Other names: c.5674+4T>G (NM_001080463.2).
Identifiers: ClinVar variation 1903050 (VCV001903050.3), dbSNP rs1457852675, ClinGen allele CA2574963014.

ClinVar aggregate classification (germline): Conflicting classifications of pathogenicity. Review status: criteria provided, conflicting classifications (1 of 4 stars). 2 submissions from 2 submitters: Uncertain significance (1); Likely benign (1). Last evaluated 2024-11-18.

Conditions:
Jeune thoracic dystrophy. Also called: Short-rib thoracic dysplasia; Jeune syndrome; Infantile thoracic dystrophy; Thoracic pelvic phalangeal dystrophy; Jeune's syndrome; Chondroectodermal dysplasia-like syndrome. Identifiers: Orphanet 474, MedGen C0265275, MONDO:0018770.

Allele frequency attached by ClinVar (database versions not stated): gnomAD exomes below 0.00001.
gnomAD v4.1: 6 of 1,545,088 alleles (0.00039%); highest among the groups gnomAD compares: Non-Finnish European, 0.00053%; no homozygotes.

Submissions (2):

Blueprint Genetics
Classification: Likely benign. Last evaluated: 2024-11-18. Review status: criteria provided, single submitter. Criteria: ACMG Guidelines, 2015. Collection method: clinical testing. Allele origin: germline.

Labcorp Genetics (formerly Invitae), Labcorp
Classification: Uncertain significance for Jeune thoracic dystrophy. Last evaluated: 2022-05-20. Review status: criteria provided, single submitter. Criteria: Invitae Variant Classification Sherloc (09022015). Collection method: clinical testing. Allele origin: germline.
Comment: This sequence change falls in intron 36 of the DYNC2H1 gene. It does not directly change the encoded amino acid sequence of the DYNC2H1 protein. It affects a nucleotide within the consensus splice site. This variant is not present in population databases (gnomAD no frequency). This variant has not been reported in the literature in individuals affected with DYNC2H1-related conditions. Variants that disrupt the consensus splice site are a relatively common cause of aberrant splicing (PMID: 17576681, 9536098). Algorithms developed to predict the effect of sequence changes on RNA splicing suggest that this variant is not likely to affect RNA splicing. In summary, the available evidence is currently insufficient to determine the role of this variant in disease. Therefore, it has been classified as a Variant of Uncertain Significance.

Literature cited by the submitters: PubMed 17576681 (cited by Labcorp Genetics (formerly Invitae), Labcorp); PubMed 9536098 (cited by Labcorp Genetics (formerly Invitae), Labcorp).